The following is an entry in ClinVar:

NM_013335.4(GMPPA):c.1162+18C>T

Genes: ASIC4-AS1 (ASIC4 antisense RNA 1; minus strand), GMPPA (GDP-mannose pyrophosphorylase A; plus strand). Cytogenetic location: 2q35.
Variant type: single nucleotide variant.
Coding change: c.1162+18C>T on transcript NM_013335.4 (MANE Select); 18 bases into the intron after coding-DNA position 1162, C replaced by T.
Molecular consequence: intron variant.
Genome position (GRCh38, 1-based): chr2:219,506,440, C>T. VCF-style: chr2-219506440-C-T. GRCh37 (hg19) VCF-style: chr2-220371162-C-T.
Other names: c.1162+18C>T (NM_205847.3).
Identifiers: ClinVar variation 380525 (VCV000380525.12), dbSNP rs111553864, ClinGen allele CA2128438.

ClinVar aggregate classification (germline): Benign. Review status: criteria provided, multiple submitters, no conflicts (2 of 4 stars). 3 submissions from 3 submitters: Benign (3). Last evaluated 2026-02-03.

Conditions:
Alacrima, achalasia, and impaired intellectual development syndrome. Also called: Alacrima, achalasia, and mental retardation syndrome; Alacrima, achalasia, and intellectual disability syndrome. Identifiers: Orphanet 869, MedGen C4706563, MONDO:0014219, OMIM 615510.

Allele frequency attached by ClinVar (database versions not stated): gnomAD 0.03828 and 0.03576; 1000 Genomes Project 0.03874; 1000 Genomes Project 30x 0.04091; TOPMed 0.04062; ESP Exome Variant Server 0.04108.

Submissions (23):

Labcorp Genetics (formerly Invitae), Labcorp
Classification: Benign for Alacrima, achalasia, and impaired intellectual development syndrome. Last evaluated: 2026-02-03. Review status: criteria provided, single submitter. Criteria: Invitae Variant Classification Sherloc (09022015). Collection method: clinical testing. Allele origin: germline.

GeneDx
Classification: Benign. Last evaluated: 2016-02-08. Review status: criteria provided, single submitter. Criteria: GeneDx Variant Classification (06012015). Collection method: clinical testing. Allele origin: germline. Affected: yes.
Comment: This variant is considered likely benign or benign based on one or more of the following criteria: it is a conservative change, it occurs at a poorly conserved position in the protein, it is predicted to be benign by multiple in silico algorithms, and/or has population frequency not consistent with disease.

Breakthrough Genomics
Classification: Benign. Review status: criteria provided, single submitter. Criteria: ACMG Guidelines, 2015. Collection method: not provided. Allele origin: germline. Inheritance: Autosomal recessive inheritance. Affected: yes.

Dr. Peter K. Rogan Lab, Western University
No classification provided (evidence only). Condition: Lung cancer. Review status: no classification provided. Collection method: in vitro. Allele origin: not applicable. Functional consequence: retained intron. Not counted in ClinVar's aggregate classification.

Dr. Peter K. Rogan Lab, Western University
No classification provided (evidence only). Condition: Acute myeloid leukemia. Review status: no classification provided. Collection method: in vitro. Allele origin: not applicable. Functional consequence: retained intron. Not counted in ClinVar's aggregate classification.

Dr. Peter K. Rogan Lab, Western University
No classification provided (evidence only). Condition: Uterine corpus endometrial carcinoma. Review status: no classification provided. Collection method: in vitro. Allele origin: not applicable. Functional consequence: retained intron. Not counted in ClinVar's aggregate classification.

Dr. Peter K. Rogan Lab, Western University
No classification provided (evidence only). Condition: Uterine corpus endometrial carcinoma. Review status: no classification provided. Collection method: in vitro. Allele origin: not applicable. Functional consequence: retained intron. Not counted in ClinVar's aggregate classification.

Dr. Peter K. Rogan Lab, Western University
No classification provided (evidence only). Condition: Uterine corpus endometrial carcinoma. Review status: no classification provided. Collection method: in vitro. Allele origin: not applicable. Functional consequence: retained intron. Not counted in ClinVar's aggregate classification.

Dr. Peter K. Rogan Lab, Western University
No classification provided (evidence only). Condition: Uterine corpus endometrial carcinoma. Review status: no classification provided. Collection method: in vitro. Allele origin: not applicable. Functional consequence: retained intron. Not counted in ClinVar's aggregate classification.

Dr. Peter K. Rogan Lab, Western University
No classification provided (evidence only). Condition: Uterine corpus endometrial carcinoma. Review status: no classification provided. Collection method: in vitro. Allele origin: not applicable. Functional consequence: retained intron. Not counted in ClinVar's aggregate classification.

Dr. Peter K. Rogan Lab, Western University
No classification provided (evidence only). Condition: Uterine corpus endometrial carcinoma. Review status: no classification provided. Collection method: in vitro. Allele origin: not applicable. Functional consequence: retained intron. Not counted in ClinVar's aggregate classification.

Dr. Peter K. Rogan Lab, Western University
No classification provided (evidence only). Condition: Cervical cancer. Review status: no classification provided. Collection method: in vitro. Allele origin: not applicable. Functional consequence: retained intron. Not counted in ClinVar's aggregate classification.

Dr. Peter K. Rogan Lab, Western University
No classification provided (evidence only). Condition: Cervical cancer. Review status: no classification provided. Collection method: in vitro. Allele origin: not applicable. Functional consequence: retained intron. Not counted in ClinVar's aggregate classification.

Dr. Peter K. Rogan Lab, Western University
No classification provided (evidence only). Condition: Cervical cancer. Review status: no classification provided. Collection method: in vitro. Allele origin: not applicable. Functional consequence: retained intron. Not counted in ClinVar's aggregate classification.

Dr. Peter K. Rogan Lab, Western University
No classification provided (evidence only). Condition: Cervical cancer. Review status: no classification provided. Collection method: in vitro. Allele origin: not applicable. Functional consequence: retained intron. Not counted in ClinVar's aggregate classification.

Dr. Peter K. Rogan Lab, Western University
No classification provided (evidence only). Condition: Sarcoma. Review status: no classification provided. Collection method: in vitro. Allele origin: not applicable. Functional consequence: retained intron. Not counted in ClinVar's aggregate classification.

Dr. Peter K. Rogan Lab, Western University
No classification provided (evidence only). Condition: Sarcoma. Review status: no classification provided. Collection method: in vitro. Allele origin: not applicable. Functional consequence: skipped exon. Not counted in ClinVar's aggregate classification.

Dr. Peter K. Rogan Lab, Western University
No classification provided (evidence only). Condition: Ovarian serous cystadenocarcinoma. Review status: no classification provided. Collection method: in vitro. Allele origin: not applicable. Functional consequence: retained intron. Not counted in ClinVar's aggregate classification.

Dr. Peter K. Rogan Lab, Western University
No classification provided (evidence only). Condition: Ovarian serous cystadenocarcinoma. Review status: no classification provided. Collection method: in vitro. Allele origin: not applicable. Functional consequence: retained intron. Not counted in ClinVar's aggregate classification.

Dr. Peter K. Rogan Lab, Western University
No classification provided (evidence only). Condition: Ovarian serous cystadenocarcinoma. Review status: no classification provided. Collection method: in vitro. Allele origin: not applicable. Functional consequence: retained intron. Not counted in ClinVar's aggregate classification.

Dr. Peter K. Rogan Lab, Western University
No classification provided (evidence only). Condition: Ovarian serous cystadenocarcinoma. Review status: no classification provided. Collection method: in vitro. Allele origin: not applicable. Functional consequence: retained intron. Not counted in ClinVar's aggregate classification.

Dr. Peter K. Rogan Lab, Western University
No classification provided (evidence only). Condition: Gastric cancer. Review status: no classification provided. Collection method: in vitro. Allele origin: not applicable. Functional consequence: retained intron. Not counted in ClinVar's aggregate classification.

Dr. Peter K. Rogan Lab, Western University
No classification provided (evidence only). Condition: Uterine carcinosarcoma. Review status: no classification provided. Collection method: in vitro. Allele origin: not applicable. Functional consequence: retained intron. Not counted in ClinVar's aggregate classification.